The following is an entry in ClinVar:

NM_001077525.3(MTMR14):c.557G>A (p.Ser186Asn)

Gene: MTMR14 (myotubularin related protein 14; plus strand). Cytogenetic location: 3p25.3.
Variant type: single nucleotide variant.
Coding change: c.557G>A on transcript NM_001077525.3 (MANE Select); coding-DNA position 557, G replaced by A.
Protein change: p.Ser186Asn; replaces serine 186 with asparagine.
Molecular consequence: missense variant. On other transcripts: 5 prime UTR variant (16), non-coding transcript variant (9), splice acceptor variant (3).
Genome position (GRCh38, 1-based): chr3:9,671,050, G>A. VCF-style: chr3-9671050-G-A. GRCh37 (hg19) VCF-style: chr3-9712734-G-A.
Other names: c.557G>A, p.Ser186Asn (NM_001400528.1, NM_001077526.3, NM_001400520.1 and 2 more transcripts); c.275G>A, p.Ser92Asn (NM_001400529.1, NM_001400532.1, NM_001400537.1 and 1 more transcripts); c.311G>A, p.Ser104Asn (NM_001400530.1, NM_001400536.1, NM_001400524.1 and 1 more transcripts); c.-86G>A (NM_001400533.1, NM_001400534.1, NM_001400535.1 and 9 more transcripts); c.626G>A, p.Ser209Asn (NM_001400518.1, NM_001400521.1, NM_001400526.1); c.555-1G>A (NM_001400519.1, NM_001400522.1); c.309-1G>A (NM_001400531.1); c.-159G>A (NM_001400544.1, NM_001400547.1, NM_001400548.1 and 1 more transcripts); short protein forms S104N, S92N, S186N, S209N.
Identifiers: ClinVar variation 2851578 (VCV002851578.3), dbSNP rs1263017116, ClinGen allele CA351681158.

ClinVar aggregate classification (germline): Uncertain significance (1 of 4 stars; one submission).

Allele frequency attached by ClinVar (database versions not stated): gnomAD exomes 0.00001; TOPMed 0.00001; gnomAD 0.00002.
gnomAD v4.1: 23 of 1,614,032 alleles (0.0014%); highest among the groups gnomAD compares: Middle Eastern, 0.016%; no homozygotes.

Submission:

Labcorp Genetics (formerly Invitae), Labcorp
Classification: Uncertain significance. Last evaluated: 2024-01-12. Review status: criteria provided, single submitter. Criteria: Invitae Variant Classification Sherloc (09022015). Collection method: clinical testing. Allele origin: germline.
Comment: This sequence change replaces serine, which is neutral and polar, with asparagine, which is neutral and polar, at codon 186 of the MTMR14 protein (p.Ser186Asn). This variant is present in population databases (no rsID available, gnomAD 0.002%). This variant has not been reported in the literature in individuals affected with MTMR14-related conditions. An algorithm developed to predict the effect of missense changes on protein structure and function (PolyPhen-2) suggests that this variant is likely to be tolerated. In summary, the available evidence is currently insufficient to determine the role of this variant in disease. Therefore, it has been classified as a Variant of Uncertain Significance.